The following is an entry in ClinVar:

NM_000135.4(FANCA):c.832C>G (p.Leu278Val)

Gene: FANCA (FA complementation group A; minus strand). Cytogenetic location: 16q24.3.
Variant type: single nucleotide variant.
Coding change: c.832C>G on transcript NM_000135.4 (MANE Select); coding-DNA position 832, C replaced by G.
Protein change: p.Leu278Val; replaces leucine 278 with valine.
Molecular consequence: missense variant.
Genome position (GRCh38, 1-based): chr16:89,799,227, G>C on the plus strand (C>G on the coding strand, the complement: FANCA is on the minus strand). VCF-style: chr16-89799227-G-C. GRCh37 (hg19) VCF-style: chr16-89865635-G-C.
Other names: NC_000016.9:g.89865635G>C; c.832C>G, p.Leu278Val (NM_001018112.3, NM_001286167.3); c.736C>G, p.Leu246Val (NM_001351830.2); short protein forms L278V, L246V.
Identifiers: ClinVar variation 3848170 (VCV003848170.2).

ClinVar aggregate classification (germline): Uncertain significance (1 of 4 stars; one submission).

Conditions:
Inborn genetic diseases. Identifiers: MedGen C0950123, MeSH D030342.

Submissions (2):

Ambry Genetics
Classification: Uncertain significance for Inborn genetic diseases. Last evaluated: 2025-02-02. Review status: criteria provided, single submitter. Criteria: Ambry Variant Classification Scheme 2023. Collection method: clinical testing. Allele origin: germline.
Comment: The p.L278V variant (also known as c.832C>G), located in coding exon 10 of the FANCA gene, results from a C to G substitution at nucleotide position 832. The leucine at codon 278 is replaced by valine, an amino acid with highly similar properties. This amino acid position is conserved. In addition, the in silico prediction for this alteration is inconclusive. Based on the available evidence, the clinical significance of this variant remains unclear.

Dr. Peter K. Rogan Lab, Western University
No classification provided (evidence only). Condition: Gastric cancer. Review status: no classification provided. Collection method: in vitro. Allele origin: not applicable. Functional consequence: retained intron. Not counted in ClinVar's aggregate classification.